The following is an entry in ClinVar:

ClinVar aggregate classification (germline): Benign. Review status: criteria provided, multiple submitters, no conflicts (2 of 4 stars). 5 submissions from 5 submitters: Benign (5). Last evaluated 2025-03-20.

Conditions:
Inborn genetic diseases. Identifiers: MedGen C0950123, MeSH D030342.

Allele frequency attached by ClinVar (database versions not stated): ExAC 0.00080; gnomAD 0.00279 and 0.00247; TOPMed 0.00286; ESP Exome Variant Server 0.00246; gnomAD exomes 0.00025 and 0.00060; 1000 Genomes Project 30x 0.00146; 1000 Genomes Project 0.00159.
gnomAD v4.1: 571 of 1,209,385 alleles (0.047%); highest among the groups gnomAD compares: African/African-American, 0.88%; 1 homozygote.

Submissions (5):

Mayo Clinic Laboratories, Mayo Clinic
Classification: Benign. Last evaluated: 2025-03-20. Review status: criteria provided, single submitter. Criteria: ACMG Guidelines, 2015. Collection method: clinical testing. Allele origin: germline. Observed: 5 variant alleles.
Comment: BS2, BP4, BP7

Athena Diagnostics
Classification: Benign. Last evaluated: 2019-03-05. Review status: criteria provided, single submitter. Criteria: Athena Diagnostics Criteria. Collection method: clinical testing. Allele origin: germline.

Ambry Genetics
Classification: Benign for Inborn genetic diseases. Last evaluated: 2016-06-23. Review status: criteria provided, single submitter. Criteria: Ambry Variant Classification Scheme 2023. Collection method: clinical testing. Allele origin: germline.

GeneDx
Classification: Benign. Last evaluated: 2016-04-25. Review status: criteria provided, single submitter. Criteria: GeneDx Variant Classification (06012015). Collection method: clinical testing. Allele origin: germline. Affected: yes.
Comment: This variant is considered likely benign or benign based on one or more of the following criteria: it is a conservative change, it occurs at a poorly conserved position in the protein, it is predicted to be benign by multiple in silico algorithms, and/or has population frequency not consistent with disease.

Eurofins Ntd Llc (ga)
Classification: Benign. Last evaluated: 2015-02-19. Review status: criteria provided, single submitter. Criteria: EGL Classification Definitions 2015. Collection method: clinical testing. Allele origin: germline. Observed: 1 variant allele, 1 hemizygote.

NM_004541.4(NDUFA1):c.-4A>G

Genes: NDUFA1 (NADH:ubiquinone oxidoreductase subunit A1; plus strand), LOC130068621 (ATAC-STARR-seq lymphoblastoid active region 29902; plus strand). Cytogenetic location: Xq24.
Variant type: single nucleotide variant.
Coding change: c.-4A>G on transcript NM_004541.4 (MANE Select); 4 bases upstream of the start codon, A replaced by G.
Molecular consequence: 5 prime UTR variant.
Genome position (GRCh38, 1-based): chrX:119,871,908, A>G. VCF-style: chrX-119871908-A-G. GRCh37 (hg19) VCF-style: chrX-119005871-A-G.
Identifiers: ClinVar variation 193286 (VCV000193286.11), dbSNP rs201240353, ClinGen allele CA200467.